The following is an entry in ClinVar:

NM_014822.4(SEC24D):c.1201C>T (p.His401Tyr)

Gene: SEC24D (SEC24 homolog D, COPII coat complex component; minus strand). Cytogenetic location: 4q26.
Variant type: single nucleotide variant.
Coding change: c.1201C>T on transcript NM_014822.4 (MANE Select); coding-DNA position 1201, C replaced by T.
Protein change: p.His401Tyr; replaces histidine 401 with tyrosine.
Molecular consequence: missense variant.
Genome position (GRCh38, 1-based): chr4:118,764,897, G>A on the plus strand (C>T on the coding strand, the complement: SEC24D is on the minus strand). VCF-style: chr4-118764897-G-A. GRCh37 (hg19) VCF-style: chr4-119686052-G-A.
Other names: p.His401Tyr; c.1204C>T, p.His402Tyr (NM_001318066.2); c.1201C>T (NM_014822.3); short protein forms H401Y, H402Y.
Identifiers: ClinVar variation 2417734 (VCV002417734.5), dbSNP rs140080517, ClinGen allele CA3057316.

ClinVar aggregate classification (germline): Uncertain significance. Review status: criteria provided, multiple submitters, no conflicts (2 of 4 stars). 3 submissions from 3 submitters: Uncertain significance (3). Last evaluated 2023-05-25.

Allele frequency attached by ClinVar (database versions not stated): ExAC 0.00005; TOPMed 0.00009; gnomAD 0.00011; gnomAD exomes 0.00011; ESP Exome Variant Server 0.00023.
gnomAD v4.1: 189 of 1,600,520 alleles (0.012%); highest among the groups gnomAD compares: Non-Finnish European, 0.015%; 1 homozygote.

Submissions (3):

Mayo Clinic Laboratories, Mayo Clinic
Classification: Uncertain significance. Last evaluated: 2023-05-25. Review status: criteria provided, single submitter. Criteria: ACMG Guidelines, 2015. Collection method: clinical testing. Allele origin: germline. Observed: 1 variant allele.

GeneDx
Classification: Uncertain significance. Last evaluated: 2022-10-03. Review status: criteria provided, single submitter. Criteria: GeneDx Variant Classification Process June 2021. Collection method: clinical testing. Allele origin: germline. Affected: yes.
Comment: In silico analysis supports that this missense variant has a deleterious effect on protein structure/function; Has not been previously published as pathogenic or benign to our knowledge

Labcorp Genetics (formerly Invitae), Labcorp
Classification: Uncertain significance. Last evaluated: 2022-06-26. Review status: criteria provided, single submitter. Criteria: Invitae Variant Classification Sherloc (09022015). Collection method: clinical testing. Allele origin: germline.
Comment: This sequence change replaces histidine, which is basic and polar, with tyrosine, which is neutral and polar, at codon 401 of the SEC24D protein (p.His401Tyr). This variant is present in population databases (rs140080517, gnomAD 0.01%). This variant has not been reported in the literature in individuals affected with SEC24D-related conditions. Algorithms developed to predict the effect of missense changes on protein structure and function are either unavailable or do not agree on the potential impact of this missense change (SIFT: "Not Available"; PolyPhen-2: "Possibly Damaging"; Align-GVGD: "Not Available"). In summary, the available evidence is currently insufficient to determine the role of this variant in disease. Therefore, it has been classified as a Variant of Uncertain Significance.